The following is an entry in ClinVar:

ClinVar aggregate classification (germline): Uncertain significance (1 of 4 stars; one submission).

gnomAD v4.1: 2 of 1,614,192 alleles (0.00012%); highest among the groups gnomAD compares: South Asian, 0.0011%; no homozygotes.

Submission:

Labcorp Genetics (formerly Invitae), Labcorp
Classification: Uncertain significance. Last evaluated: 2025-01-23. Review status: criteria provided, single submitter. Criteria: Invitae Variant Classification Sherloc (09022015). Collection method: clinical testing. Allele origin: germline.
Comment: This sequence change replaces glutamine, which is neutral and polar, with glutamic acid, which is acidic and polar, at codon 269 of the CTNNA1 protein (p.Gln269Glu). This variant is not present in population databases (gnomAD no frequency). This variant has not been reported in the literature in individuals affected with CTNNA1-related conditions. An algorithm developed to predict the effect of missense changes on protein structure and function (PolyPhen-2) suggests that this variant is likely to be tolerated. In summary, the available evidence is currently insufficient to determine the role of this variant in disease. Therefore, it has been classified as a Variant of Uncertain Significance.

NM_001903.5(CTNNA1):c.805C>G (p.Gln269Glu)

Gene: CTNNA1 (catenin alpha 1; plus strand). Cytogenetic location: 5q31.2.
Variant type: single nucleotide variant.
Coding change: c.805C>G on transcript NM_001903.5 (MANE Select); coding-DNA position 805, C replaced by G.
Protein change: p.Gln269Glu; replaces glutamine 269 with glutamic acid.
Molecular consequence: missense variant.
Genome position (GRCh38, 1-based): chr5:138,824,746, C>G. VCF-style: chr5-138824746-C-G. GRCh37 (hg19) VCF-style: chr5-138160435-C-G.
Other names: c.805C>G, p.Gln269Glu (NM_001290307.3, NM_001323982.2, NM_001323983.1 and 3 more transcripts); c.496C>G, p.Gln166Glu (NM_001290309.3); c.436C>G, p.Gln146Glu (NM_001290310.3); short protein forms Q146E, Q166E, Q269E.
Identifiers: ClinVar variation 3707636 (VCV003707636.2).
Genomic context (GRCh38, chr5:138,824,746, plus strand): 5'-CAGCAGGCGGTCACAGGCATTTCCAATGCAGCCCAGGCCACTGCCTCAGACGATGCCTCA[C>G]AGCACCAGGGTGGAGGAGGAGGAGAACTGGCATATGCACTCAATAACTTTGACGTAAGTT-3'
Protein context (NP_001894.2, residues 259-279): AQATASDDAS[Gln269Glu]HQGGGGGELA